The following is an entry in ClinVar:

NM_007294.4(BRCA1):c.1540C>G (p.Pro514Ala)

Gene: BRCA1 (BRCA1 DNA repair associated; minus strand). Cytogenetic location: 17q21.31.
Variant type: single nucleotide variant.
Coding change: c.1540C>G on transcript NM_007294.4 (MANE Select); coding-DNA position 1540, C replaced by G.
Protein change: p.Pro514Ala; replaces proline 514 with alanine.
Molecular consequence: missense variant. On other transcripts: intron variant (137).
Genome position (GRCh38, 1-based): chr17:43,093,991, G>C on the plus strand (C>G on the coding strand, the complement: BRCA1 is on the minus strand). VCF-style: chr17-43093991-G-C. GRCh37 (hg19) VCF-style: chr17-41246008-G-C.
Other names: c.1417C>G, p.Pro473Ala (NM_001407674.1, NM_001407675.1, NM_001407676.1 and 19 more transcripts); c.1399C>G, p.Pro467Ala (NM_001407694.1, NM_001407695.1, NM_001407696.1 and 29 more transcripts); c.1396C>G, p.Pro466Ala (NM_001407740.1, NM_001407741.1, NM_001407742.1 and 20 more transcripts); c.1336C>G, p.Pro446Ala (NM_001407875.1, NM_001407874.1); c.1330C>G, p.Pro444Ala (NM_001407879.1, NM_001407881.1, NM_001407882.1 and 13 more transcripts); c.1327C>G, p.Pro443Ala (NM_001407915.1, NM_001407916.1, NM_001407917.1 and 9 more transcripts); c.1273C>G, p.Pro425Ala (NM_001407930.1, NM_001407931.1, NM_001407932.1 and 2 more transcripts); c.1276C>G, p.Pro426Ala (NM_001407933.1, NM_001407935.1, NM_001407920.1 and 9 more transcripts); and 40 more; short protein forms P218A, P346A, P386A, P387A, P402A, P403A, P425A, P426A.
Identifiers: ClinVar variation 4813427 (VCV004813427.1).

ClinVar aggregate classification (germline): Uncertain significance (1 of 4 stars; one submission).

Conditions:
Breast-ovarian cancer, familial, susceptibility to, 1 (BROVCA1). Also called: OVARIAN CANCER, SUSCEPTIBILITY TO; BRCA1 Hereditary Breast and Ovarian Cancer. Identifiers: Orphanet 145, MedGen C2676676, MONDO:0011450, OMIM 604370. Disease mechanism: loss of function.

Submission:

MVZ Praenatalmedizin und Genetik Nuernberg
Classification: Uncertain significance for Breast-ovarian cancer, familial, susceptibility to, 1. Last evaluated: 2025-03-25. Review status: criteria provided, single submitter. Criteria: ACMG Guidelines, 2015. Collection method: clinical testing. Allele origin: germline.
Comment: The mutation had not previously been described in either the ClinVar database or the gnomAD database. A literature search did not yield any additional information. Computer-assisted predictions (in silico) showed inconsistent results. In summary this is a variant of uncertain clinical significance (VUS).